The following is an entry in ClinVar:

ClinVar aggregate classification (germline): Pathogenic (1 of 4 stars; one submission).

Conditions:
Mitochondrial complex II deficiency, nuclear type 1. Also called: SUCCINATE CoQ REDUCTASE DEFICIENCY. Identifiers: Orphanet 3208, MedGen C5700310, MONDO:0100294, OMIM 252011.
Pheochromocytoma/paraganglioma syndrome 5. Also called: Paragangliomas 5; SDHA-Related Hereditary Paraganglioma-Pheochromocytoma Syndrome. Identifiers: Orphanet 29072, MedGen C3279992, MONDO:0013602, OMIM 614165.

Submission:

Labcorp Genetics (formerly Invitae), Labcorp
Classification: Pathogenic for Pheochromocytoma/paraganglioma syndrome 5; Mitochondrial complex II deficiency, nuclear type 1. Last evaluated: 2023-03-23. Review status: criteria provided, single submitter. Criteria: Invitae Variant Classification Sherloc (09022015). Collection method: clinical testing. Allele origin: germline.
Comment: For these reasons, this variant has been classified as Pathogenic. This variant has not been reported in the literature in individuals affected with SDHA-related conditions. This variant is not present in population databases (gnomAD no frequency). This sequence change creates a premature translational stop signal (p.Ala466Hisfs*4) in the SDHA gene. It is expected to result in an absent or disrupted protein product. Loss-of-function variants in SDHA are known to be pathogenic (PMID: 22974104, 24781757).

Literature cited by the submitters: PubMed 22974104; PubMed 24781757.

NM_004168.4(SDHA):c.1396del (p.Ala466fs)

Gene: SDHA (succinate dehydrogenase complex flavoprotein subunit A; plus strand). Cytogenetic location: 5p15.33.
Variant type: Deletion.
Coding change: c.1396del on transcript NM_004168.4 (MANE Select); coding-DNA position 1396, one base deleted (G; older notation c.1396delG).
Protein change: p.Ala466fs; shifts the reading frame from alanine 466.
Molecular consequence: frameshift variant.
Genome position (GRCh38, 1-based): chr5:236,563, G deleted; the last of 3 consecutive G bases (chr5:236,561-236,563); deleting any one gives the same sequence. VCF-style (leftmost placement, unchanged base first): chr5-236560-CG-C. GRCh37 (hg19) VCF-style: chr5-236675-CG-C.
Other names: c.1252del, p.Ala418fs (NM_001294332.2); c.1396del, p.Ala466fs (NM_001330758.2); short protein forms A466fs, A418fs.
Identifiers: ClinVar variation 2945283 (VCV002945283.3), dbSNP rs2477376643, ClinGen allele CA2672971961.